The following is an entry in ClinVar:

ClinVar aggregate classification (germline): Uncertain significance. Review status: criteria provided, multiple submitters, no conflicts (2 of 4 stars). 2 submissions from 2 submitters: Uncertain significance (2). Last evaluated 2023-02-22.

Conditions:
Inborn genetic diseases. Identifiers: MedGen C0950123, MeSH D030342.
Neurodevelopmental disorder with cerebellar atrophy and motor dysfunction. Identifiers: MedGen C5543427, MONDO:0859152, OMIM 619333.

Allele frequency attached by ClinVar (database versions not stated): gnomAD 0.00001; gnomAD exomes 0.00001; TOPMed 0.00005; ExAC 0.00007.
gnomAD v4.1: 19 of 1,599,644 alleles (0.0012%); highest among the groups gnomAD compares: East Asian, 0.04%; no homozygotes.

Submissions (2):

Ambry Genetics
Classification: Uncertain significance for Inborn genetic diseases. Last evaluated: 2023-02-22. Review status: criteria provided, single submitter. Criteria: Ambry Variant Classification Scheme 2023. Collection method: clinical testing. Allele origin: germline.

Juno Genomics, Hangzhou Juno Genomics, Inc
Classification: Uncertain significance for Neurodevelopmental disorder with cerebellar atrophy and motor dysfunction. Review status: criteria provided, single submitter. Criteria: ACMG Guidelines, 2015. Collection method: clinical testing. Allele origin: germline. Affected: yes.
Comment: Absent from controls (or at extremely low frequency if recessive) in Genome Aggregation Database, Exome Sequencing Project, 1000 Genomes Project, or Exome Aggregation Consortium.;Patient's phenotype or family history is highly specific for a disease with a single genetic etiology.

NM_015465.5(GEMIN5):c.3380T>C (p.Leu1127Pro)

Gene: GEMIN5 (gem nuclear organelle associated protein 5; minus strand). Cytogenetic location: 5q33.2.
Variant type: single nucleotide variant.
Coding change: c.3380T>C on transcript NM_015465.5 (MANE Select); coding-DNA position 3380, T replaced by C.
Protein change: p.Leu1127Pro; replaces leucine 1127 with proline.
Molecular consequence: missense variant.
Genome position (GRCh38, 1-based): chr5:154,896,309, A>G on the plus strand (T>C on the coding strand, the complement: GEMIN5 is on the minus strand). VCF-style: chr5-154896309-A-G. GRCh37 (hg19) VCF-style: chr5-154275869-A-G.
Other names: c.3377T>C, p.Leu1126Pro (NM_001252156.2); short protein forms L1126P, L1127P.
Identifiers: ClinVar variation 2486840 (VCV002486840.4), dbSNP rs762301151, ClinGen allele CA3528387.